The following is an entry in ClinVar:

NM_014233.4(UBTF):c.2015A>G (p.Gln672Arg)

Genes: ATXN7L3-AS1 (ATXN7L3 antisense RNA 1; plus strand), UBTF (upstream binding transcription factor; minus strand). Cytogenetic location: 17q21.31.
Variant type: single nucleotide variant.
Coding change: c.2015A>G on transcript NM_014233.4 (MANE Select); coding-DNA position 2015, A replaced by G.
Protein change: p.Gln672Arg; replaces glutamine 672 with arginine.
Molecular consequence: missense variant. On other transcripts: non-coding transcript variant (1).
Genome position (GRCh38, 1-based): chr17:44,207,709, T>C on the plus strand (A>G on the coding strand, the complement: UBTF is on the minus strand). VCF-style: chr17-44207709-T-C. GRCh37 (hg19) VCF-style: chr17-42285077-T-C.
Other names: c.1904A>G, p.Gln635Arg (NM_001076683.2, NM_001076684.3); short protein forms Q635R, Q672R.
Identifiers: ClinVar variation 3377261 (VCV003377261.1).
Genomic context (GRCh38, chr17:44,207,709, plus strand): 5'-CAGGCAGTGCCCCCCGCCCCACGCCCCTGCATCTGGGAGGGGCTCCTTACCGACTTGGAC[T>C]GCAGAGTAGTCCGGCTGGATTTGGGGTTTGGGCCTCGCAGCTTGGTCATGCTCTTACGTT-3'
Protein context (NP_055048.1, residues 662-682): PNPKSSRTTL[Gln672Arg]SKSESEEDDE

ClinVar aggregate classification (germline): Uncertain significance (1 of 4 stars; one submission).

Conditions:
Childhood-onset motor and cognitive regression syndrome with extrapyramidal movement disorder. Also called: NEURODEGENERATION, CHILDHOOD-ONSET, WITH BRAIN ATROPHY. Identifiers: Orphanet 500180, MedGen C4540086, MONDO:0044701, OMIM 617672.

Submission:

Victorian Clinical Genetics Services, Murdoch Childrens Research Institute
Classification: Uncertain significance for Childhood-onset motor and cognitive regression syndrome with extrapyramidal movement disorder. Last evaluated: 2024-10-09. Review status: criteria provided, single submitter. Criteria: ACMG Guidelines, 2015. Collection method: clinical testing. Allele origin: germline. Inheritance: Autosomal dominant inheritance. Affected: no.
Comment: Based on the classification scheme VCGS_Germline_v1.3.4, this variant is classified as VUS-3B. Following criteria are met: 0101 - Gain of function is a known mechanism of disease in this gene and is associated with neurodegeneration, childhood-onset, with brain atrophy (MIM# 617672). (I) 0107 - This gene is associated with autosomal dominant disease. (I) 0200 - Variant is predicted to result in a missense amino acid change from glutamine to arginine. (I) 0251 - This variant is heterozygous. (I) 0301 - Variant is absent from gnomAD (both v2 and v3). (SP) 0502 - Missense variant with conflicting in silico predictions and uninformative conservation. (I) 0604 - Variant is not located in an established domain, motif, hotspot or informative constraint region. (I) 0705 - No comparable missense variants have previous evidence for pathogenicity. (I) 0807 - This variant has no previous evidence of pathogenicity. (I) 0905 - No published segregation evidence has been identified for this variant. (I) 1007 - No published functional evidence has been identified for this variant. (SP) Legend: (SP) - Supporting pathogenic, (I) - Information, (SB) - Supporting benign